The following is an entry in ClinVar:

ClinVar aggregate classification (germline): Conflicting classifications of pathogenicity. Review status: criteria provided, conflicting classifications (1 of 4 stars). 2 submissions from 2 submitters: Likely pathogenic (1); Uncertain significance (1). Last evaluated 2024-11-13.

Conditions:
Nemaline myopathy 10 (NEM10). Identifiers: MedGen C4015360, MONDO:0014513, OMIM 616165.

Allele frequency attached by ClinVar (database versions not stated): gnomAD exomes below 0.00001; TOPMed below 0.00001; ExAC 0.00001.
gnomAD v4.1: 1 of 1,613,876 alleles (0.000062%); highest among the groups gnomAD compares: Non-Finnish European, 0.000085%; no homozygotes.

Submissions (2):

Genetics Department, Hospital De La Santa Creu I Sant Pau
Classification: Likely pathogenic for Nemaline myopathy 10. Last evaluated: 2024-11-13. Review status: criteria provided, single submitter. Criteria: ACMG Guidelines, 2015. Collection method: clinical testing. Allele origin: germline. Affected: yes.
Comment: Criteria applied: PM2, PP1_moderate, PP3, PP4 (Richards et al. 2015) PMID:36893608

Labcorp Genetics (formerly Invitae), Labcorp
Classification: Uncertain significance for Nemaline myopathy 10. Last evaluated: 2018-08-13. Review status: criteria provided, single submitter. Criteria: Invitae Variant Classification Sherloc (09022015). Collection method: clinical testing. Allele origin: germline.
Comment: This sequence change replaces arginine with tryptophan at codon 344 of the LMOD3 protein (p.Arg344Trp). The arginine residue is highly conserved and there is a moderate physicochemical difference between arginine and tryptophan. This variant is present in population databases (rs778824655, ExAC 0.001%). This variant has not been reported in the literature in individuals with LMOD3-related disease. ClinVar contains an entry for this variant (Variation ID: 475294). Algorithms developed to predict the effect of missense changes on protein structure and function (SIFT, PolyPhen-2, Align-GVGD) all suggest that this variant is likely to be disruptive, but these predictions have not been confirmed by published functional studies and their clinical significance is uncertain. In summary, the available evidence is currently insufficient to determine the role of this variant in disease. Therefore, it has been classified as a Variant of Uncertain Significance.

NM_198271.5(LMOD3):c.1030C>T (p.Arg344Trp)

Gene: LMOD3 (leiomodin 3; minus strand). Cytogenetic location: 3p14.1.
Variant type: single nucleotide variant.
Coding change: c.1030C>T on transcript NM_198271.5 (MANE Select); coding-DNA position 1030, C replaced by T.
Protein change: p.Arg344Trp; replaces arginine 344 with tryptophan.
Molecular consequence: missense variant.
Genome position (GRCh38, 1-based): chr3:69,119,325, G>A on the plus strand (C>T on the coding strand, the complement: LMOD3 is on the minus strand). VCF-style: chr3-69119325-G-A. GRCh37 (hg19) VCF-style: chr3-69168476-G-A.
Other names: c.1030C>T, p.Arg344Trp (NM_001304418.3); short protein forms R344W.
Identifiers: ClinVar variation 475294 (VCV000475294.7), dbSNP rs778824655, ClinGen allele CA2488874.